The following is an entry in ClinVar:

NM_139343.3(BIN1):c.85-102A>G

Gene: BIN1 (bridging integrator 1; minus strand). Cytogenetic location: 2q14.3.
Variant type: single nucleotide variant.
Coding change: c.85-102A>G on transcript NM_139343.3 (MANE Select); 102 bases into the intron before coding-DNA position 85, A replaced by G.
Molecular consequence: intron variant.
Genome position (GRCh38, 1-based): chr2:127,076,808, T>C on the plus strand (A>G on the coding strand, the complement: BIN1 is on the minus strand). VCF-style: chr2-127076808-T-C. GRCh37 (hg19) VCF-style: chr2-127834384-T-C.
Other names: c.4-102A>G (NM_001320642.1); c.13-102A>G (NM_001320634.1); c.85-102A>G (NM_139351.3, NM_139350.3, NM_139349.3 and 10 more transcripts).
Identifiers: ClinVar variation 678125 (VCV000678125.2), dbSNP rs13387613, ClinGen allele CA15149639.

ClinVar aggregate classification (germline): Benign. Review status: criteria provided, multiple submitters, no conflicts (2 of 4 stars). 2 submissions from 2 submitters: Benign (2). Last evaluated 2018-06-16.

Allele frequency attached by ClinVar (database versions not stated): gnomAD exomes 0.16279; 1000 Genomes Project 0.17173; TOPMed 0.17205; 1000 Genomes Project 30x 0.17239; gnomAD 0.18106 and 0.18110.
gnomAD v4.1: 224,471 of 1,362,222 alleles (16%); highest among the groups gnomAD compares: South Asian, 24%; 19,793 homozygotes.

Submissions (2):

GeneDx
Classification: Benign. Last evaluated: 2018-06-16. Review status: criteria provided, single submitter. Criteria: GeneDx Variant Classification (06012015). Collection method: clinical testing. Allele origin: germline. Affected: yes.
Comment: This variant is considered likely benign or benign based on one or more of the following criteria: it is a conservative change, it occurs at a poorly conserved position in the protein, it is predicted to be benign by multiple in silico algorithms, and/or has population frequency not consistent with disease.

Breakthrough Genomics
Classification: Benign. Review status: criteria provided, single submitter. Criteria: ACMG Guidelines, 2015. Collection method: not provided. Allele origin: germline. Inheritance: Autosomal recessive inheritance. Affected: yes.